The following is an entry in ClinVar:

NC_000019.10:g.(?_11574990)_(11577337_?)dup

Gene: ACP5 (acid phosphatase 5, tartrate resistant; minus strand). Cytogenetic location: 19p13.2.
Variant type: Duplication.
Identifiers: ClinVar variation 831036 (VCV000831036.1).

ClinVar aggregate classification (germline): Uncertain significance (1 of 4 stars; one submission).

Conditions:
Spondyloenchondrodysplasia with immune dysregulation (SPENCDI). Also called: COMBINED IMMUNODEFICIENCY WITH AUTOIMMUNITY AND SPONDYLOMETAPHYSEAL DYSPLASIA; ROIFMAN IMMUNOSKELETAL SYNDROME; SPONDYLOENCHONDRODYSPLASIA WITH OR WITHOUT IMMUNE DYSREGULATION. Identifiers: Orphanet 1855, MedGen C1842763, MONDO:0011939, OMIM 607944.

Submission:

Labcorp Genetics (formerly Invitae), Labcorp
Classification: Uncertain significance for Spondyloenchondrodysplasia with immune dysregulation. Last evaluated: 2019-03-23. Review status: criteria provided, single submitter. Criteria: Invitae Variant Classification Sherloc (09022015). Collection method: clinical testing. Allele origin: germline.
Comment: This variant results in a copy number gain of the genomic region encompassing the full coding sequence of the ACP5 gene. The boundaries of this event are unknown as they extend beyond the assayed region for this gene and therefore may encompass additional genes. As the precise location of this event is unknown, it may be in tandem or it may be located elsewhere in the genome. This variant has not been reported in the literature in individuals with ACP5-related conditions. In summary, the available evidence is currently insufficient to determine the role of this variant in disease. Therefore, it has been classified as a Variant of Uncertain Significance.